The following is an entry in ClinVar:

ClinVar aggregate classification (germline): Likely benign (1 of 4 stars; one submission).

Allele frequency attached by ClinVar (database versions not stated): ExAC 0.00001; gnomAD 0.00001; TOPMed 0.00001.
gnomAD v4.1: 6 of 1,611,976 alleles (0.00037%); highest among the groups gnomAD compares: Non-Finnish European, 0.00051%; no homozygotes.

Submission:

CeGaT Center for Human Genetics Tuebingen
Classification: Likely benign. Last evaluated: 2022-03-01. Review status: criteria provided, single submitter. Criteria: CeGaT Center For Human Genetics Tuebingen Variant Classification Criteria Version 2. Collection method: clinical testing. Allele origin: germline. Affected: yes. Observed: 1 variant allele.
Comment: MYCBP2: BP4, BP7

NM_015057.5(MYCBP2):c.10498A>C (p.Arg3500=)

Gene: MYCBP2 (MYC binding protein 2; minus strand). Cytogenetic location: 13q22.3.
Variant type: single nucleotide variant.
Coding change: c.10498A>C on transcript NM_015057.5 (MANE Select); coding-DNA position 10498, A replaced by C.
Protein change: p.Arg3500=; no amino-acid change (arginine 3500 retained).
Molecular consequence: synonymous variant.
Genome position (GRCh38, 1-based): chr13:77,090,133, T>G on the plus strand (A>C on the coding strand, the complement: MYCBP2 is on the minus strand). VCF-style: chr13-77090133-T-G. GRCh37 (hg19) VCF-style: chr13-77664268-T-G.
Identifiers: ClinVar variation 2643854 (VCV002643854.24), dbSNP rs756419308, ClinGen allele CA7008326.
Genomic context (GRCh38, chr13:77,090,133, plus strand): 5'-TCACTCAATATTCTTTTTTATCCTCATACTTACCAGTGTCTCCACTGTTAACTCTTCTTC[T>G]AGGAATAGCTTTAACTCGTGCAGGTAAAATGGAGTGTTGTTTATCATATTCGGAAGCAAC-3'
Protein context (NP_055872.4, residues 3490-3510): ILPARVKAIP[Arg3500=]RRVNSGDTEV